The following is an entry in ClinVar:

NM_001692.4(ATP6V1B1):c.876G>A (p.Thr292=)

Gene: ATP6V1B1 (ATPase H+ transporting V1 subunit B1; plus strand). Cytogenetic location: 2p13.3.
Variant type: single nucleotide variant.
Coding change: c.876G>A on transcript NM_001692.4 (MANE Select); coding-DNA position 876, G replaced by A.
Protein change: p.Thr292=; no amino-acid change (threonine 292 retained).
Molecular consequence: synonymous variant.
Genome position (GRCh38, 1-based): chr2:70,962,867, G>A. VCF-style: chr2-70962867-G-A. GRCh37 (hg19) VCF-style: chr2-71189997-G-A.
Other names: c.876G>A (NM_001692.3).
Identifiers: ClinVar variation 2177980 (VCV002177980.5), dbSNP rs781869630, ClinGen allele CA1701185.

ClinVar aggregate classification (germline): Likely benign. Review status: criteria provided, multiple submitters, no conflicts (2 of 4 stars). 2 submissions from 2 submitters: Likely benign (2). Last evaluated 2026-03-02.

Conditions:
ATP6V1B1-related disorder. Also called: ATP6V1B1-related condition.

Allele frequency attached by ClinVar (database versions not stated): TOPMed 0.00001; ExAC 0.00002; gnomAD 0.00002; gnomAD exomes 0.00006.
gnomAD v4.1: 89 of 1,614,014 alleles (0.0055%); highest among the groups gnomAD compares: Middle Eastern, 0.033%; no homozygotes.

Submissions (2):

PreventionGenetics, part of Exact Sciences
Classification: Likely benign for ATP6V1B1-related condition. Last evaluated: 2026-03-02. Review status: criteria provided, single submitter. Criteria: ACMG Guidelines, 2015. Collection method: clinical testing. Allele origin: germline.
Comment: This variant is classified as likely benign based on ACMG/AMP sequence variant interpretation guidelines (Richards et al. 2015 PMID: 25741868, with internal and published modifications).

Labcorp Genetics (formerly Invitae), Labcorp
Classification: Likely benign. Last evaluated: 2023-12-15. Review status: criteria provided, single submitter. Criteria: Invitae Variant Classification Sherloc (09022015). Collection method: clinical testing. Allele origin: germline.